The following is an entry in ClinVar:

NM_017934.7(PHIP):c.1006C>T (p.Leu336=)

Gene: PHIP (PHIP subunit of CUL4-Ring ligase complex; minus strand). Cytogenetic location: 6q14.1.
Variant type: single nucleotide variant.
Coding change: c.1006C>T on transcript NM_017934.7 (MANE Select); coding-DNA position 1006, C replaced by T.
Protein change: p.Leu336=; no amino-acid change (leucine 336 retained).
Molecular consequence: synonymous variant.
Genome position (GRCh38, 1-based): chr6:79,017,572, G>A on the plus strand (C>T on the coding strand, the complement: PHIP is on the minus strand). VCF-style: chr6-79017572-G-A. GRCh37 (hg19) VCF-style: chr6-79727289-G-A.
Other names: c.1006C>T (NM_017934.6).
Identifiers: ClinVar variation 2783853 (VCV002783853.5), dbSNP rs1770892359, ClinGen allele CA451014637.

ClinVar aggregate classification (germline): Likely benign. Review status: criteria provided, single submitter (1 of 4 stars). 2 submissions from 2 submitters: Likely benign (1). 1 of the submissions does not count toward it. Last evaluated 2023-08-30.

Conditions:
PHIP-related disorder. Also called: PHIP-related condition; PHIP-related disorders.

Allele frequency attached by ClinVar (database versions not stated): TOPMed below 0.00001.

Submissions (2):

Labcorp Genetics (formerly Invitae), Labcorp
Classification: Likely benign. Last evaluated: 2023-08-30. Review status: criteria provided, single submitter. Criteria: Invitae Variant Classification Sherloc (09022015). Collection method: clinical testing. Allele origin: germline.

PreventionGenetics, part of Exact Sciences
Classification: Likely benign for PHIP-related condition. Last evaluated: 2022-02-11. Review status: no assertion criteria provided. Collection method: clinical testing. Allele origin: germline. Not counted in ClinVar's aggregate classification.
Comment: This variant is classified as likely benign based on ACMG/AMP sequence variant interpretation guidelines (Richards et al. 2015 PMID: 25741868, with internal and published modifications).